The following is an entry in ClinVar:

ClinVar aggregate classification (germline): Pathogenic (1 of 4 stars; one submission).

Submission:

Labcorp Genetics (formerly Invitae), Labcorp
Classification: Pathogenic. Last evaluated: 2021-02-06. Review status: criteria provided, single submitter. Criteria: Invitae Variant Classification Sherloc (09022015). Collection method: clinical testing. Allele origin: germline.
Comment: For these reasons, this variant has been classified as Pathogenic. This variant has not been reported in the literature in individuals with USH2A-related conditions. This variant is a gross deletion of the genomic region encompassing exon(s) 53-62 of the USH2A gene. This deletion is out-of-frame, and is expected to create a premature translational stop signal and result in an absent or disrupted protein product. Loss-of-function variants in USH2A are known to be pathogenic (PMID: 10729113, 10909849, 20507924, 25649381).

Literature cited by the submitters: PubMed 10729113; PubMed 10909849; PubMed 20507924; PubMed 25649381.

NC_000001.10:g.(?_215853471)_(215956297_?)del

Gene: USH2A (usherin; minus strand). Cytogenetic location: 1q41.
Variant type: Deletion.
Identifiers: ClinVar variation 1457281 (VCV001457281.6).